The following is an entry in ClinVar:

ClinVar aggregate classification (germline): Benign/Likely benign. Review status: criteria provided, multiple submitters, no conflicts (2 of 4 stars). 23 submissions from 16 submitters: Benign (16); Likely benign (6). 1 of the submissions does not count toward it. Last evaluated 2026-02-03.

Conditions:
TTN-related disorder. Also called: TTN-related condition; TTN-related disease; TTN-related disorders.
Dilated cardiomyopathy 1G (CMD1G). Identifiers: Orphanet 154, MedGen C1858763, MONDO:0011400, OMIM 604145.
Autosomal recessive limb-girdle muscular dystrophy type 2J (LGMDR10). Also called: Limb-girdle muscular dystrophy, type 2J; MUSCULAR DYSTROPHY, LIMB-GIRDLE, AUTOSOMAL RECESSIVE 10. Identifiers: Orphanet 140922, MedGen C1837342, MONDO:0012127, OMIM 608807.
Long QT syndrome (LQTS). Identifiers: MedGen C0023976, MeSH D008133, MONDO:0002442. Disease mechanism: loss of function. Inheritance: Various modes of inheritance.
Cardiomyopathy (CMYO). Also called: Cardiomyopathies. Identifiers: Orphanet 167848, MedGen C0878544, MONDO:0004994, HP:0001638. Inheritance: Various modes of inheritance.
Early-onset myopathy with fatal cardiomyopathy (CMYO5). Also called: Salih Myopathy; CONGENITAL MYOPATHY 5 WITH CARDIOMYOPATHY. Identifiers: Orphanet 289377, MedGen C2673677, MONDO:0012714, OMIM 611705. Disease mechanism: loss of function.
Myopathy, myofibrillar, 9, with early respiratory failure (MFM9). Also called: Hereditary myopathy with early respiratory failure; Myopathy, distal, with early respiratory failure, autosomal dominant; EDSTROM MYOPATHY; MYOPATHY, PROXIMAL, WITH EARLY RESPIRATORY MUSCLE INVOLVEMENT. Identifiers: Orphanet 178464, Orphanet 34521, MedGen C1863599, MONDO:0011362, OMIM 603689.
Tibial muscular dystrophy (TMD). Also called: Udd Distal Myopathy – Tibial Muscular Dystrophy; Tibial muscular dystrophy, tardive; UDD MYOPATHY. Identifiers: Orphanet 609, MedGen C1838244, MONDO:0010870, OMIM 600334.

Allele frequency attached by ClinVar (database versions not stated): TOPMed 0.00246; 1000 Genomes Project 30x 0.00406; 1000 Genomes Project 0.00439.
gnomAD v4.1: 1,488 of 1,613,230 alleles (0.092%); highest among the groups gnomAD compares: East Asian, 2.9%; 22 homozygotes.

Submissions (23):

Labcorp Genetics (formerly Invitae), Labcorp
Classification: Benign for Dilated cardiomyopathy 1G; Autosomal recessive limb-girdle muscular dystrophy type 2J. Last evaluated: 2026-02-03. Review status: criteria provided, single submitter. Criteria: Invitae Variant Classification Sherloc (09022015). Collection method: clinical testing. Allele origin: germline.

Molecular Diagnostic Laboratory for Inherited Cardiovascular Disease, Montreal Heart Institute
Classification: Benign. Last evaluated: 2025-04-09. Review status: criteria provided, single submitter. Criteria: ACMG Guidelines, 2015. Collection method: clinical testing. Allele origin: germline. Affected: no.

Mayo Clinic Laboratories, Mayo Clinic
Classification: Benign. Last evaluated: 2025-03-27. Review status: criteria provided, single submitter. Criteria: ACMG Guidelines, 2015. Collection method: clinical testing. Allele origin: germline. Observed: 5 variant alleles.
Comment: BA1, BS2, BP4

CeGaT Center for Human Genetics Tuebingen
Classification: Benign. Last evaluated: 2025-03-01. Review status: criteria provided, single submitter. Criteria: CeGaT Center For Human Genetics Tuebingen Variant Classification Criteria Version 2. Collection method: clinical testing. Allele origin: germline. Affected: yes. Observed: 6 variant alleles.
Comment: TTN: BP4, BS1, BS2

ARUP Laboratories, Molecular Genetics and Genomics, ARUP Laboratories
Classification: Benign. Last evaluated: 2025-01-15. Review status: criteria provided, single submitter. Criteria: ARUP Molecular Germline Variant Investigation Process 2024. Collection method: clinical testing. Allele origin: germline.

Women's Health and Genetics/Laboratory Corporation of America, LabCorp
Classification: Likely benign. Last evaluated: 2023-12-03. Review status: criteria provided, single submitter. Criteria: LabCorp Variant Classification Summary - May 2015. Collection method: clinical testing. Allele origin: germline.

Genome-Nilou Lab
Classification: Benign for Autosomal recessive limb-girdle muscular dystrophy type 2J. Last evaluated: 2021-09-10. Review status: criteria provided, single submitter. Criteria: ACMG Guidelines, 2015. Collection method: clinical testing. Allele origin: germline. Affected: no.

Genome-Nilou Lab
Classification: Benign for Myopathy, myofibrillar, 9, with early respiratory failure. Last evaluated: 2021-09-10. Review status: criteria provided, single submitter. Criteria: ACMG Guidelines, 2015. Collection method: clinical testing. Allele origin: germline. Affected: no.

Genome-Nilou Lab
Classification: Benign for Early-onset myopathy with fatal cardiomyopathy. Last evaluated: 2021-09-10. Review status: criteria provided, single submitter. Criteria: ACMG Guidelines, 2015. Collection method: clinical testing. Allele origin: germline. Affected: no.

Genome-Nilou Lab
Classification: Benign for Tibial muscular dystrophy. Last evaluated: 2021-09-10. Review status: criteria provided, single submitter. Criteria: ACMG Guidelines, 2015. Collection method: clinical testing. Allele origin: germline. Affected: no.

Athena Diagnostics
Classification: Benign. Last evaluated: 2021-06-02. Review status: criteria provided, single submitter. Criteria: Athena Diagnostics criteria. Collection method: clinical testing. Allele origin: unknown.

Center for Advanced Laboratory Medicine, UC San Diego Health, University of California San Diego
Classification: Benign for Long QT Syndrome. Last evaluated: 2018-05-26. Review status: criteria provided, single submitter. Criteria: ACMG Guidelines, 2015. Collection method: clinical testing. Allele origin: germline. Affected: yes. Observed: 1 variant allele.

CHEO Genetics Diagnostic Laboratory, Children's Hospital of Eastern Ontario
Classification: Benign for Cardiomyopathy. Last evaluated: 2018-04-17. Review status: criteria provided, single submitter. Criteria: ACMG Guidelines, 2015. Collection method: clinical testing. Allele origin: germline.

Illumina Laboratory Services, Illumina
Classification: Benign for Tibial muscular dystrophy. Last evaluated: 2018-01-13. Review status: criteria provided, single submitter. Criteria: ICSL Variant Classification Criteria 13 December 2019. Collection method: clinical testing. Allele origin: germline.
Comment: This variant was observed in the ICSL laboratory as part of a predisposition screen in an ostensibly healthy population. It had not been previously curated by ICSL or reported in the Human Gene Mutation Database (HGMD: prior to June 1st, 2018), and was therefore a candidate for classification through an automated scoring system. Utilizing variant allele frequency, disease prevalence and penetrance estimates, and inheritance mode, an automated score was calculated to assess if this variant is too frequent to cause the disease. Based on the score and internal cut-off values, a variant classified as benign is not then subjected to further curation. The score for this variant resulted in a classification of benign for this disease.

Illumina Laboratory Services, Illumina
Classification: Benign for Early-onset myopathy with fatal cardiomyopathy. Last evaluated: 2018-01-13. Review status: criteria provided, single submitter. Criteria: ICSL Variant Classification Criteria 13 December 2019. Collection method: clinical testing. Allele origin: germline.
Comment: the same text as in the submission from Illumina Laboratory Services, Illumina above.

Illumina Laboratory Services, Illumina
Classification: Likely benign for Dilated cardiomyopathy 1G. Last evaluated: 2018-01-13. Review status: criteria provided, single submitter. Criteria: ICSL Variant Classification Criteria 13 December 2019. Collection method: clinical testing. Allele origin: germline.
Comment: This variant was observed in the ICSL laboratory as part of a predisposition screen in an ostensibly healthy population. It had not been previously curated by ICSL or reported in the Human Gene Mutation Database (HGMD: prior to June 1st, 2018), and was therefore a candidate for classification through an automated scoring system. Utilizing variant allele frequency, disease prevalence and penetrance estimates, and inheritance mode, an automated score was calculated to assess if this variant is too frequent to cause the disease. Based on the score and internal cut-off values, a variant classified as likely benign is not then subjected to further curation. The score for this variant resulted in a classification of likely benign for this disease.

Illumina Laboratory Services, Illumina
Classification: Benign for Myopathy, myofibrillar, 9, with early respiratory failure. Last evaluated: 2018-01-13. Review status: criteria provided, single submitter. Criteria: ICSL Variant Classification Criteria 13 December 2019. Collection method: clinical testing. Allele origin: germline.
Comment: the same text as in the submission from Illumina Laboratory Services, Illumina above.

Illumina Laboratory Services, Illumina
Classification: Likely benign for Autosomal recessive limb-girdle muscular dystrophy type 2J. Last evaluated: 2018-01-13. Review status: criteria provided, single submitter. Criteria: ICSL Variant Classification Criteria 13 December 2019. Collection method: clinical testing. Allele origin: germline.
Comment: the same text as in the submission from Illumina Laboratory Services, Illumina above.

GeneDx
Classification: Benign. Last evaluated: 2017-04-10. Review status: criteria provided, single submitter. Criteria: GeneDx Variant Classification (06012015). Collection method: clinical testing. Allele origin: germline. Affected: yes.
Comment: This variant is considered likely benign or benign based on one or more of the following criteria: it is a conservative change, it occurs at a poorly conserved position in the protein, it is predicted to be benign by multiple in silico algorithms, and/or has population frequency not consistent with disease.

Biesecker Lab/Clinical Genomics Section, National Institutes of Health
Classification: Likely benign. Last evaluated: 2013-06-24. Review status: criteria provided, single submitter. Criteria: Ng et al. (Circ Cardiovasc Genet. 2013). Collection method: research. Allele origin: unknown. Observed: 3 variant alleles. Study: ClinSeq.
Comment: The study set was not selected for affection status in relation to any cancer. Pathogenicity categories were based on literature curation. See Pubmed ID:23861362 for details.

Medical sequencing

Laboratory for Molecular Medicine, Mass General Brigham Personalized Medicine
Classification: Likely benign. Last evaluated: 2012-06-01. Review status: criteria provided, single submitter. Criteria: LMM Criteria. Collection method: clinical testing. Allele origin: germline. Observed: 5 variant alleles.
Comment: Val3816Ile in exon 48 of TTN: This variant is not expected to have clinical sign ificance because it has been identified in 1.7% (10/572) of Asian chromosomes fr om a broad population by the 1000 Genomes Project (dbSNP rs72648929). Val3816 Ile in exon 48 of TTN (rs72648929; allele frequency = 1.7%, 10/572)

Breakthrough Genomics
Classification: Likely benign. Review status: criteria provided, single submitter. Criteria: ACMG Guidelines, 2015. Collection method: not provided. Allele origin: germline. Inheritance: Autosomal recessive inheritance. Affected: yes.

PreventionGenetics, part of Exact Sciences
Classification: Benign for TTN-related condition. Last evaluated: 2022-06-23. Review status: no assertion criteria provided. Collection method: clinical testing. Allele origin: germline. Not counted in ClinVar's aggregate classification.
Comment: This variant is classified as benign based on ACMG/AMP sequence variant interpretation guidelines (Richards et al. 2015 PMID: 25741868, with internal and published modifications).

Literature cited by the submitters: PubMed 27930701 (cited by Athena Diagnostics); PubMed 23861362 (cited by Athena Diagnostics).

NM_001267550.2(TTN):c.15178G>A (p.Val5060Ile)

Gene: TTN (titin; minus strand). Cytogenetic location: 2q31.2.
Variant type: single nucleotide variant.
Coding change: c.15178G>A on transcript NM_001267550.2 (MANE Select); coding-DNA position 15178, G replaced by A.
Protein change: p.Val5060Ile; replaces valine 5060 with isoleucine.
Molecular consequence: missense variant. On other transcripts: intron variant (3).
Genome position (GRCh38, 1-based): chr2:178,734,746, C>T on the plus strand (G>A on the coding strand, the complement: TTN is on the minus strand). VCF-style: chr2-178734746-C-T. GRCh37 (hg19) VCF-style: chr2-179599473-C-T.
Other names: p.V4743I:GTC>ATC; c.14227G>A, p.Val4743Ile (NM_001256850.1); c.11446G>A, p.Val3816Ile (NM_133378.4); c.13282+3336G>A (NM_003319.4); c.13858+3336G>A (NM_133437.4); c.13657+3336G>A (NM_133432.3); c.15178G>A (NM_001267550.1); short protein forms V5060I, V3816I, V4743I.
Identifiers: ClinVar variation 46598 (VCV000046598.53), dbSNP rs72648929, ClinGen allele CA138714.